The following is an entry in ClinVar:

ClinVar aggregate classification (germline): Pathogenic (1 of 4 stars; one submission).

Conditions:
Meckel syndrome, type 6. Identifiers: Orphanet 564, MedGen C2676790, MONDO:0012848, OMIM 612284.

Submission:

Women's Health and Genetics/Laboratory Corporation of America, LabCorp
Classification: Pathogenic for Meckel syndrome, type 6. Last evaluated: 2024-07-31. Review status: criteria provided, single submitter. Criteria: LabCorp Variant Classification Summary - May 2015. Collection method: clinical testing. Allele origin: germline.
Comment: Variant summary: CC2D2A c.1160dupA (p.Tyr387X) results in a premature termination codon, predicted to cause a truncation of the encoded protein or absence of the protein due to nonsense mediated decay. Loss of function variants in CC2D2A are an established mechanism for disease. The variant was absent in 247486 control chromosomes. To our knowledge, no occurrence of c.1160dupA in individuals affected with Meckel Syndrome Type 6 and/or CC2D2A-Related Disorders, and no experimental evidence demonstrating its impact on protein function have been reported. No submitters have cited clinical-significance assessments for this variant to ClinVar. Based on the evidence outlined above, the variant was classified as pathogenic.

NM_001378615.1(CC2D2A):c.1160dup (p.Tyr387Ter)

Genes: CC2D2A (coiled-coil and C2 domain containing 2A; plus strand), FBXL5 (F-box and leucine rich repeat protein 5; minus strand). Cytogenetic location: 4p15.32.
Variant type: Duplication.
Coding change: c.1160dup on transcript NM_001378615.1 (MANE Select); coding-DNA position 1160, one base duplicated (A; older notation c.1160dupA).
Protein change: p.Tyr387Ter; replaces tyrosine 387 with a stop codon.
Molecular consequence: nonsense.
Genome position (GRCh38, 1-based): chr4:15,527,457, A duplicated. VCF-style (leftmost placement, unchanged base first): chr4-15527456-T-TA. GRCh37 (hg19) VCF-style: chr4-15529079-T-TA.
Other names: c.1160dupA (NM_001080522.2); c.1160dup, p.Tyr387Ter (NM_001080522.2); c.1013dup, p.Tyr338Ter (NM_001378617.1); short protein forms Y338*, Y387*.
Identifiers: ClinVar variation 3339465 (VCV003339465.1).